The following is an entry in ClinVar:

ClinVar aggregate classification (germline): Uncertain significance (1 of 4 stars; one submission).

Submission:

Labcorp Genetics (formerly Invitae), Labcorp
Classification: Uncertain significance. Last evaluated: 2022-10-04. Review status: criteria provided, single submitter. Criteria: Invitae Variant Classification Sherloc (09022015). Collection method: clinical testing. Allele origin: germline.
Comment: This variant has not been reported in the literature in individuals affected with ALPK1-related conditions. This variant is not present in population databases (gnomAD no frequency). This sequence change creates a premature translational stop signal (p.Ser794Alafs*7) in the ALPK1 gene. It is expected to result in an absent or disrupted protein product. However, the current clinical and genetic evidence is not sufficient to establish whether loss-of-function variants in ALPK1 cause disease. In summary, the available evidence is currently insufficient to determine the role of this variant in disease. Therefore, it has been classified as a Variant of Uncertain Significance.

NM_025144.4(ALPK1):c.2380del (p.Ser794fs)

Gene: ALPK1 (alpha kinase 1; plus strand). Cytogenetic location: 4q25.
Variant type: Deletion.
Coding change: c.2380del on transcript NM_025144.4 (MANE Select); coding-DNA position 2380, one base deleted (A; older notation c.2380delA).
Protein change: p.Ser794fs; shifts the reading frame from serine 794.
Molecular consequence: frameshift variant.
Genome position (GRCh38, 1-based): chr4:112,431,927, A deleted; the last of 3 consecutive A bases (chr4:112,431,925-112,431,927); deleting any one gives the same sequence. VCF-style (leftmost placement, unchanged base first): chr4-112431924-GA-G. GRCh37 (hg19) VCF-style: chr4-113353080-GA-G.
Other names: c.2380del, p.Ser794fs (NM_001102406.2); c.2146del, p.Ser716fs (NM_001253884.2); short protein forms S794fs, S716fs.
Identifiers: ClinVar variation 1999922 (VCV001999922.4), dbSNP rs2476506085, ClinGen allele CA2580071364.